The following is an entry in ClinVar:

ClinVar aggregate classification (germline): Conflicting classifications of pathogenicity. Review status: criteria provided, conflicting classifications (1 of 4 stars). 3 submissions from 3 submitters: Likely pathogenic (1); Uncertain significance (2). Last evaluated 2025-09-11.

Conditions:
Autosomal recessive limb-girdle muscular dystrophy type 2D (LGMDR3). Also called: MUSCULAR DYSTROPHY, LIMB-GIRDLE, AUTOSOMAL RECESSIVE 3; DUCHENNE-LIKE AUTOSOMAL RECESSIVE MUSCULAR DYSTROPHY, TYPE 2; ADHALINOPATHY, PRIMARY. Identifiers: Orphanet 62, MedGen C2936332, MONDO:0011968, OMIM 608099. Disease mechanism: Affects gamma-sarcoglycan and also disrupts the integrity of the entire sarcoglycan complex..

Allele frequency attached by ClinVar (database versions not stated): gnomAD exomes below 0.00001.
gnomAD v4.1: 2 of 1,613,998 alleles (0.00012%); highest among the groups gnomAD compares: Non-Finnish European, 0.00017%; no homozygotes.

Submissions (3):

Myriad Genetics, Inc.
Classification: Uncertain significance for Autosomal recessive limb-girdle muscular dystrophy type 2D. Last evaluated: 2025-09-11. Review status: criteria provided, single submitter. Criteria: Myriad Autosomal Dominant, Autosomal Recessive and X-Linked Classification Criteria (2023). Collection method: clinical testing. Allele origin: unknown.
Comment: NM_000023.2(SGCA):c.704C>T(T235I) is a missense variant classified as a variant of uncertain significance in the context of alpha-sarcoglycanopathy. T235I has been observed in cases with relevant disease (PMID: 35239206, 37526466, 32528171). Relevant functional assessments of this variant are not available in the literature. T235I has not been observed in referenced population frequency databases. In summary, there is insufficient evidence to classify NM_000023.2(SGCA):c.704C>T(T235I) as pathogenic or benign. Please note: this variant was assessed in the context of healthy population screening.

Women's Health and Genetics/Laboratory Corporation of America, LabCorp
Classification: Uncertain significance. Last evaluated: 2024-04-15. Review status: criteria provided, single submitter. Criteria: LabCorp Variant Classification Summary - May 2015. Collection method: clinical testing. Allele origin: germline.
Comment: Variant summary: SGCA c.704C>T (p.Thr235Ile) results in a non-conservative amino acid change located in the Sarcoglycan alpha/epsilon second domain (IPR048347) of the encoded protein sequence. Four of five in-silico tools predict a damaging effect of the variant on protein function. The variant allele was found at a frequency of 1.4e-06 in 1461760 control chromosomes (gnomAD v4.0.0). The available data on variant occurrences in the general population are insufficient to allow any conclusion about variant significance. c.704C>T has been reported in the literature in individuals affected with Limb-Girdle Muscular Dystrophy, Autosomal Recessive (Krenn_2022). These data do not allow any conclusion about variant significance. To our knowledge, no experimental evidence demonstrating an impact on protein function has been reported. The following publications have been ascertained in the context of this evaluation (PMID: 35239206, 32528171). No submitters have cited clinical-significance assessments for this variant to ClinVar. Based on the evidence outlined above, the variant was classified as uncertain significance.

Baylor Genetics
Classification: Likely pathogenic for Autosomal recessive limb-girdle muscular dystrophy type 2D. Last evaluated: 2024-03-10. Review status: criteria provided, single submitter. Criteria: ACMG Guidelines, 2015. Collection method: clinical testing. Allele origin: unknown.

Literature cited by the submitters: PubMed 32528171 (cited by Myriad Genetics, Inc. and Women's Health and Genetics/Laboratory Corporation of America, LabCorp); PubMed 35239206 (cited by Myriad Genetics, Inc. and Women's Health and Genetics/Laboratory Corporation of America, LabCorp); PubMed 37526466 (cited by Myriad Genetics, Inc.).

NM_000023.4(SGCA):c.704C>T (p.Thr235Ile)

Gene: SGCA (sarcoglycan alpha; plus strand). Cytogenetic location: 17q21.33.
Variant type: single nucleotide variant.
Coding change: c.704C>T on transcript NM_000023.4 (MANE Select); coding-DNA position 704, C replaced by T.
Protein change: p.Thr235Ile; replaces threonine 235 with isoleucine.
Molecular consequence: missense variant. On other transcripts: non-coding transcript variant (1), intron variant (1).
Genome position (GRCh38, 1-based): chr17:50,169,211, C>T. VCF-style: chr17-50169211-C-T. GRCh37 (hg19) VCF-style: chr17-48246572-C-T.
Other names: c.584+639C>T (NM_001135697.3); short protein forms T235I.
Identifiers: ClinVar variation 3240443 (VCV003240443.3), dbSNP rs1219162630.